The following is an entry in ClinVar:

ClinVar aggregate classification (germline): Conflicting classifications of pathogenicity. Review status: criteria provided, conflicting classifications (1 of 4 stars). 9 submissions from 7 submitters: Uncertain significance (4); Likely benign (4). 1 of the submissions does not count toward it. Last evaluated 2026-09-01.

Conditions:
Thrombophilia due to thrombin defect (THPH1). Also called: Thrombosis susceptibility; THROMBOPHILIA DUE TO FACTOR 2 DEFECT; Prothrombin-Related Thrombophilia (Factor II); Prothrombin Thrombophilia. Identifiers: MedGen C3160733, MONDO:0008559, OMIM 188050. Disease mechanism: gain of function, loss of function.
Budd-Chiari syndrome (BDCHS). Also called: Hepatic vein obstruction. Identifiers: Orphanet 131, MedGen C0856761, MONDO:0010947, OMIM 600880, HP:0002639.
Factor V deficiency. Also called: Reduced coagulation factor V activity. Identifiers: Orphanet 326, MedGen C4317320, MONDO:0020586, HP:0003225.
F5-related disorder. Also called: F5-related condition.
Congenital factor V deficiency. Also called: LABILE FACTOR DEFICIENCY; Hereditary factor V deficiency disease; OWREN PARAHEMOPHILIA; PARAHEMOPHILIA. Identifiers: Orphanet 326, MedGen C0015499, MONDO:0009210, OMIM 227400.
Inborn genetic diseases. Identifiers: MedGen C0950123, MeSH D030342.

Allele frequency attached by ClinVar (database versions not stated): 1000 Genomes Project 30x 0.00016; 1000 Genomes Project 0.00020; TOPMed 0.00086; ESP Exome Variant Server 0.00100; gnomAD exomes 0.00111 and 0.00149; gnomAD 0.00133 and 0.00140; ExAC 0.00152.
gnomAD v4.1: 1,804 of 1,614,152 alleles (0.11%); highest among the groups gnomAD compares: Non-Finnish European, 0.12%; 12 homozygotes.

Submissions (9):

CeGaT Center for Human Genetics Tuebingen
Classification: Likely benign. Last evaluated: 2026-09-01. Review status: criteria provided, single submitter. Criteria: CeGaT Center For Human Genetics Tuebingen Variant Classification Criteria Version 2. Collection method: clinical testing. Allele origin: germline. Affected: yes. Observed: 6 variant alleles.
Comment: F5: BP4, BS2

Labcorp Genetics (formerly Invitae), Labcorp
Classification: Likely benign for Congenital factor V deficiency. Last evaluated: 2026-01-26. Review status: criteria provided, single submitter. Criteria: Invitae Variant Classification Sherloc (09022015). Collection method: clinical testing. Allele origin: germline.

Ambry Genetics
Classification: Uncertain significance for Inborn genetic diseases. Last evaluated: 2025-12-19. Review status: criteria provided, single submitter. Criteria: Ambry Variant Classification Scheme 2023. Collection method: clinical testing. Allele origin: germline.
Comment: The p.N741S variant (also known as c.2222A>G), located in coding exon 13 of the F5 gene, results from an A to G substitution at nucleotide position 2222. The asparagine at codon 741 is replaced by serine, an amino acid with highly similar properties. This amino acid position is conserved. In addition, this alteration is predicted to be tolerated by in silico analysis. Since supporting evidence is limited at this time, the clinical significance of this alteration remains unclear.

PreventionGenetics, part of Exact Sciences
Classification: Likely benign for F5-related condition. Last evaluated: 2025-02-10. Review status: criteria provided, single submitter. Criteria: ACMG Guidelines, 2015. Collection method: clinical testing. Allele origin: germline.
Comment: This variant is classified as likely benign based on ACMG/AMP sequence variant interpretation guidelines (Richards et al. 2015 PMID: 25741868, with internal and published modifications).

Blueprint Genetics
Classification: Likely benign. Last evaluated: 2024-11-20. Review status: criteria provided, single submitter. Criteria: ACMG Guidelines, 2015. Collection method: clinical testing. Allele origin: germline.

Illumina Laboratory Services, Illumina
Classification: Uncertain significance for Venous thrombosis. Last evaluated: 2018-01-13. Review status: criteria provided, single submitter. Criteria: ICSL Variant Classification Criteria 13 December 2019. Collection method: clinical testing. Allele origin: germline.

Illumina Laboratory Services, Illumina
Classification: Uncertain significance for Congenital factor V deficiency. Last evaluated: 2018-01-13. Review status: criteria provided, single submitter. Criteria: ICSL Variant Classification Criteria 13 December 2019. Collection method: clinical testing. Allele origin: germline.

Illumina Laboratory Services, Illumina
Classification: Uncertain significance for Budd-Chiari syndrome. Last evaluated: 2018-01-13. Review status: criteria provided, single submitter. Criteria: ICSL Variant Classification Criteria 13 December 2019. Collection method: clinical testing. Allele origin: germline.

Zotz-Klimas Genetics Lab, MVZ Zotz Klimas
Classification: Uncertain significance for Congenital factor V deficiency. Last evaluated: 2023-10-09. Review status: no assertion criteria provided. Collection method: clinical testing. Allele origin: germline. Affected: yes. Not counted in ClinVar's aggregate classification.

NM_000130.5(F5):c.2222A>G (p.Asn741Ser)

Gene: F5 (coagulation factor V; minus strand). Cytogenetic location: 1q24.2.
Variant type: single nucleotide variant.
Coding change: c.2222A>G on transcript NM_000130.5 (MANE Select); coding-DNA position 2222, A replaced by G.
Protein change: p.Asn741Ser; replaces asparagine 741 with serine.
Molecular consequence: missense variant.
Genome position (GRCh38, 1-based): chr1:169,542,868, T>C on the plus strand (A>G on the coding strand, the complement: F5 is on the minus strand). VCF-style: chr1-169542868-T-C. GRCh37 (hg19) VCF-style: chr1-169512106-T-C.
Other names: short protein forms N741S.
Identifiers: ClinVar variation 293621 (VCV000293621.58), dbSNP rs144979314, ClinGen allele CA1234128.